The following is an entry in ClinVar:

NM_013451.4(MYOF):c.252G>A (p.Ala84=)

Gene: MYOF (myoferlin; minus strand). Cytogenetic location: 10q23.33.
Variant type: single nucleotide variant.
Coding change: c.252G>A on transcript NM_013451.4 (MANE Select); coding-DNA position 252, G replaced by A.
Protein change: p.Ala84=; no amino-acid change (alanine 84 retained).
Molecular consequence: synonymous variant.
Genome position (GRCh38, 1-based): chr10:93,431,501, C>T on the plus strand (G>A on the coding strand, the complement: MYOF is on the minus strand). VCF-style: chr10-93431501-C-T. GRCh37 (hg19) VCF-style: chr10-95191258-C-T.
Other names: c.252G>A, p.Ala84= (NM_133337.3).
Identifiers: ClinVar variation 2640697 (VCV002640697.24), dbSNP rs375432077, ClinGen allele CA5608668.
Genomic context (GRCh38, chr10:93,431,501, plus strand): 5'-GATCAGCTTGTACGGCAGGGATCTGCTCTGGTCACCAGTCAGGTCCTTCAGGGCTACAGT[C>T]GCCGTGCCAATTAATCTGCAGGGAAAACAGGAAAGCACATAGCAGCCTAAGTAGGAGATA-3'
Protein context (NP_038479.1, residues 74-94): TIGQNKLIGT[Ala84=]TVALKDLTGD

ClinVar aggregate classification (germline): Likely benign (1 of 4 stars; one submission).

Allele frequency attached by ClinVar (database versions not stated): gnomAD exomes 0.00004; ESP Exome Variant Server 0.00008; ExAC 0.00011; 1000 Genomes Project 30x 0.00016; 1000 Genomes Project 0.00020.
gnomAD v4.1: 63 of 1,613,694 alleles (0.0039%); highest among the groups gnomAD compares: South Asian, 0.04%; no homozygotes.

Submission:

CeGaT Center for Human Genetics Tuebingen
Classification: Likely benign. Last evaluated: 2022-07-01. Review status: criteria provided, single submitter. Criteria: CeGaT Center For Human Genetics Tuebingen Variant Classification Criteria Version 2. Collection method: clinical testing. Allele origin: germline. Affected: yes. Observed: 1 variant allele.
Comment: MYOF: BP4, BP7